The following is an entry in ClinVar:

ClinVar aggregate classification (germline): Uncertain significance. Review status: criteria provided, multiple submitters, no conflicts (2 of 4 stars). 2 submissions from 2 submitters: Uncertain significance (2). Last evaluated 2024-10-31.

Conditions:
Cardiovascular phenotype. Identifiers: MedGen CN230736.

Allele frequency attached by ClinVar (database versions not stated): ExAC 0.00001; gnomAD 0.00001; gnomAD exomes 0.00001; TOPMed 0.00001.
gnomAD v4.1: 9 of 1,614,016 alleles (0.00056%); highest among the groups gnomAD compares: East Asian, 0.011%; no homozygotes.

Submissions (2):

GeneDx
Classification: Uncertain significance. Last evaluated: 2024-10-31. Review status: criteria provided, single submitter. Criteria: GeneDx Variant Classification Process June 2021. Collection method: clinical testing. Allele origin: germline. Affected: yes.
Comment: Not observed at significant frequency in large population cohorts (gnomAD); In silico analysis indicates that this missense variant does not alter protein structure/function; Has not been previously published as pathogenic or benign to our knowledge

Ambry Genetics
Classification: Uncertain significance for Cardiovascular phenotype. Last evaluated: 2023-02-23. Review status: criteria provided, single submitter. Criteria: Ambry Variant Classification Scheme 2023. Collection method: clinical testing. Allele origin: germline.
Comment: The p.E181K variant (also known as c.541G>A), located in coding exon 4 of the SCN10A gene, results from a G to A substitution at nucleotide position 541. The glutamic acid at codon 181 is replaced by lysine, an amino acid with similar properties. This amino acid position is conserved. In addition, the in silico prediction for this alteration is inconclusive. Since supporting evidence is limited at this time, the clinical significance of this alteration remains unclear.

NM_006514.4(SCN10A):c.541G>A (p.Glu181Lys)

Gene: SCN10A (sodium voltage-gated channel alpha subunit 10; minus strand). Cytogenetic location: 3p22.2.
Variant type: single nucleotide variant.
Coding change: c.541G>A on transcript NM_006514.4 (MANE Select); coding-DNA position 541, G replaced by A.
Protein change: p.Glu181Lys; replaces glutamic acid 181 with lysine.
Molecular consequence: missense variant.
Genome position (GRCh38, 1-based): chr3:38,771,337, C>T on the plus strand (G>A on the coding strand, the complement: SCN10A is on the minus strand). VCF-style: chr3-38771337-C-T. GRCh37 (hg19) VCF-style: chr3-38812828-C-T.
Other names: c.541G>A, p.Glu181Lys (NM_001293306.2, NM_001293307.2); short protein forms E181K.
Identifiers: ClinVar variation 2448858 (VCV002448858.3), dbSNP rs746883877, ClinGen allele CA2321172.